The following is an entry in ClinVar:

ClinVar aggregate classification (germline): Uncertain significance (1 of 4 stars; one submission).

Conditions:
Capillary malformation-arteriovenous malformation syndrome. Also called: Capillary malformation-arteriovenous malformation. Identifiers: Orphanet 137667, MedGen C1842180, MONDO:0012016.

Submission:

Labcorp Genetics (formerly Invitae), Labcorp
Classification: Uncertain significance for Capillary malformation-arteriovenous malformation syndrome. Last evaluated: 2023-06-22. Review status: criteria provided, single submitter. Criteria: Invitae Variant Classification Sherloc (09022015). Collection method: clinical testing. Allele origin: germline.
Comment: This sequence change falls in intron 12 of the RASA1 gene. It does not directly change the encoded amino acid sequence of the RASA1 protein. Information on the frequency of this variant in the gnomAD database is not available, as this variant may be reported differently in the database. This variant has not been reported in the literature in individuals affected with RASA1-related conditions. Experimental studies and prediction algorithms are not available or were not evaluated, and the effect of this variant on mRNA splicing is currently unknown. In summary, the available evidence is currently insufficient to determine the role of this variant in disease. Therefore, it has been classified as a Variant of Uncertain Significance.

NM_002890.3(RASA1):c.1698+7_1698+8delinsCA

Genes: CCNH (cyclin H; minus strand), RASA1 (RAS p21 protein activator 1; plus strand). Cytogenetic location: 5q14.3.
Variant type: Indel.
Coding change: c.1698+7_1698+8delinsCA on transcript NM_002890.3 (MANE Select); bases 7 to 8 of the intron after coding-DNA position 1698, TT replaced by CA.
Molecular consequence: intron variant.
Genome position (GRCh38, 1-based): chr5:87,369,907-87,369,908, TT replaced by CA. VCF-style: chr5-87369907-TT-CA. GRCh37 (hg19) VCF-style: chr5-86665724-TT-CA.
Other names: c.1167+7_1167+8delinsCA (NM_022650.3); c.933+25136_933+25137delinsTG (NM_001364075.2).
Identifiers: ClinVar variation 2917745 (VCV002917745.3), dbSNP rs2531324547, ClinGen allele CA2739274956.